The following is an entry in ClinVar:

ClinVar aggregate classification (germline): Uncertain significance (1 of 4 stars; one submission).

Conditions:
Hereditary cancer-predisposing syndrome. Also called: Neoplastic Syndromes, Hereditary; Tumor predisposition; Hereditary neoplastic syndrome; Hereditary Cancer Syndrome. Identifiers: Orphanet 140162, MedGen C0027672, MeSH D009386, MONDO:0015356.

Submission:

Ambry Genetics
Classification: Uncertain significance for Hereditary cancer-predisposing syndrome. Last evaluated: 2026-06-25. Review status: criteria provided, single submitter. Criteria: Ambry Variant Classification Scheme 2023. Collection method: clinical testing. Allele origin: germline.
Comment: The c.10-315T>A intronic variant results from a T to A substitution 315 nucleotides upstream from coding exon 2 in the POT1 gene. This nucleotide position is highly conserved in available vertebrate species. In silico splice site analysis predicts that this alteration may result in the creation or strengthening of a novel splice donor site; however, direct evidence is insufficient at this time (Ambry internal data). Based on the available evidence, the clinical significance of this variant remains unclear.

NM_015450.3(POT1):c.10-315T>A

Gene: POT1 (protection of telomeres 1; minus strand). Cytogenetic location: 7q31.33.
Variant type: single nucleotide variant.
Coding change: c.10-315T>A on transcript NM_015450.3 (MANE Select); 315 bases into the intron before coding-DNA position 10, T replaced by A.
Molecular consequence: intron variant.
Genome position (GRCh38, 1-based): chr7:124,892,695, A>T on the plus strand (T>A on the coding strand, the complement: POT1 is on the minus strand). VCF-style: chr7-124892695-A-T. GRCh37 (hg19) VCF-style: chr7-124532749-A-T.
Other names: c.-253-315T>A (NM_001042594.2).
Identifiers: ClinVar variation 5027173 (VCV005027173.1).